The following is an entry in ClinVar:

NM_000053.4(ATP7B):c.3569G>C (p.Gly1190Ala)

Gene: ATP7B (ATPase copper transporting beta; minus strand). Cytogenetic location: 13q14.3.
Variant type: single nucleotide variant.
Coding change: c.3569G>C on transcript NM_000053.4 (MANE Select); coding-DNA position 3569, G replaced by C.
Protein change: p.Gly1190Ala; replaces glycine 1190 with alanine.
Molecular consequence: missense variant.
Genome position (GRCh38, 1-based): chr13:51,939,181, C>G on the plus strand (G>C on the coding strand, the complement: ATP7B is on the minus strand). VCF-style: chr13-51939181-C-G. GRCh37 (hg19) VCF-style: chr13-52513317-C-G.
Other names: c.2948G>C, p.Gly983Ala (NM_001005918.3); c.3236G>C, p.Gly1079Ala (NM_001243182.2); c.3335G>C, p.Gly1112Ala (NM_001330578.2, NM_001406527.1, NM_001406528.1); c.3317G>C, p.Gly1106Ala (NM_001330579.2, NM_001406531.1, NM_001406532.1); c.3569G>C, p.Gly1190Ala (NM_001406511.1, NM_001406512.1, NM_001406526.1); c.3563G>C, p.Gly1188Ala (NM_001406513.1); c.3536G>C, p.Gly1179Ala (NM_001406514.1); c.3515G>C, p.Gly1172Ala (NM_001406515.1, NM_001406516.1); and 20 more; short protein forms G1026A, G1028A, G1041A, G1047A, G1064A, G1077A, G1079A, G1080A.
Identifiers: ClinVar variation 3075589 (VCV003075589.1), dbSNP rs767681386, ClinGen allele CA388024719.

ClinVar aggregate classification (germline): Uncertain significance (1 of 4 stars; one submission).

Conditions:
Wilson disease (WND). Also called: Wilson's disease. Identifiers: Orphanet 905, MedGen C0019202, MONDO:0010200, OMIM 277900. Disease mechanism: loss of function.

Submission:

All of Us Research Program, National Institutes of Health
Classification: Uncertain significance for Wilson disease. Last evaluated: 2023-06-26. Review status: criteria provided, single submitter. Criteria: ACMG Guidelines, 2015. Collection method: clinical testing. Allele origin: germline. Inheritance: Autosomal recessive inheritance. Observed: 1 variant allele, 1 heterozygote.
Comment: This missense variant replaces glycine with alanine at codon 1190 of the ATP7B protein. Computational prediction is inconclusive regarding the impact of this variant on protein structure and function (internally defined REVEL score threshold 0.5 < inconclusive < 0.7, PMID: 27666373). To our knowledge, functional studies have not been reported for this variant. This variant has not been reported in individuals affected with Wilson disease in the literature. This variant has not been identified in the general population by the Genome Aggregation Database (gnomAD). The available evidence is insufficient to determine the role of this variant in disease conclusively. Therefore, this variant is classified as a Variant of Uncertain Significance.

This study involves interpretation of variants in research participants for the purpose of population health screening. Participant phenotype was not available at the time of variant classification. Additional details can be found in publication PMID: 35346344, PMCID: PMC8962531